The following is an entry in ClinVar:

ClinVar aggregate classification (germline): Pathogenic/Likely pathogenic. Review status: criteria provided, multiple submitters, no conflicts (2 of 4 stars). 7 submissions from 7 submitters: Pathogenic (1); Likely pathogenic (5). 1 of the submissions does not count toward it. Last evaluated 2024-03-13.

Conditions:
Bifunctional peroxisomal enzyme deficiency (DBIF). Also called: PBFE DEFICIENCY; DBP DEFICIENCY; D-bifunctional protein deficiency. Identifiers: Orphanet 300, MedGen C0342870, MONDO:0009855, OMIM 261515. Disease mechanism: loss of function.
Perrault syndrome 1 (PRLTS1). Also called: GONADAL DYSGENESIS, XX TYPE, WITH DEAFNESS; OVARIAN DYSGENESIS WITH SENSORINEURAL DEAFNESS. Identifiers: Orphanet 2855, Orphanet 642945, MedGen C4551721, MONDO:0009300, OMIM 233400.
Perrault syndrome. Also called: Gonadal dysgenesis with auditory dysfunction, autosomal recessive inheritance. Identifiers: Orphanet 2855, MedGen C0685838, MONDO:0017312.

Allele frequency attached by ClinVar (database versions not stated): gnomAD exomes below 0.00001; TOPMed below 0.00001.
gnomAD v4.1: 4 of 1,611,452 alleles (0.00025%); highest among the groups gnomAD compares: African/African-American, 0.0013%; no homozygotes.

Submissions (7):

Fulgent Genetics
Classification: Likely pathogenic for Perrault syndrome 1; Bifunctional peroxisomal enzyme deficiency. Last evaluated: 2024-03-13. Review status: criteria provided, single submitter. Criteria: ACMG Guidelines, 2015. Collection method: clinical testing. Allele origin: germline.

Labcorp Genetics (formerly Invitae), Labcorp
Classification: Likely pathogenic for Perrault syndrome; Bifunctional peroxisomal enzyme deficiency. Last evaluated: 2023-09-12. Review status: criteria provided, single submitter. Criteria: Invitae Variant Classification Sherloc (09022015). Collection method: clinical testing. Allele origin: germline.
Comment: Experimental studies have shown that this missense change affects HSD17B4 function (PMID: 22864515). Advanced modeling of protein sequence and biophysical properties (such as structural, functional, and spatial information, amino acid conservation, physicochemical variation, residue mobility, and thermodynamic stability) performed at Invitae indicates that this missense variant is expected to disrupt HSD17B4 protein function. ClinVar contains an entry for this variant (Variation ID: 554817). This missense change has been observed in individual(s) with D-bifunctional protein deficiency (PMID: 16385454). This variant is not present in population databases (gnomAD no frequency). This sequence change replaces arginine, which is basic and polar, with histidine, which is basic and polar, at codon 506 of the HSD17B4 protein (p.Arg506His). This variant disrupts the p.Arg506 amino acid residue in HSD17B4. Other variant(s) that disrupt this residue have been determined to be pathogenic (PMID: 16385454, 25967389). This suggests that this residue is clinically significant, and that variants that disrupt this residue are likely to be disease-causing. In summary, the currently available evidence indicates that the variant is pathogenic, but additional data are needed to prove that conclusively. Therefore, this variant has been classified as Likely Pathogenic.

Baylor Genetics
Classification: Likely pathogenic for Bifunctional peroxisomal enzyme deficiency. Last evaluated: 2023-08-24. Review status: criteria provided, single submitter. Criteria: ACMG Guidelines, 2015. Collection method: clinical testing. Allele origin: unknown.

Women's Health and Genetics/Laboratory Corporation of America, LabCorp
Classification: Likely pathogenic for Bifunctional peroxisomal enzyme deficiency. Last evaluated: 2022-10-21. Review status: criteria provided, single submitter. Criteria: LabCorp Variant Classification Summary - May 2015. Collection method: clinical testing. Allele origin: germline.
Comment: Variant summary: HSD17B4 c.1517G>A (p.Arg506His) results in a non-conservative amino acid change located in the MaoC-like dehydratase domain (IPR002539) of the encoded protein sequence. Five of five in-silico tools predict a damaging effect of the variant on protein function. The variant was absent in 250870 control chromosomes (gnomAD). c.1517G>A (p.R506H) has been reported in the literature in at least one homozygous individual affected with D-Bifunctional Protein Deficiency (Ferdinandusse_2006). In addition, another variant (R506C) at the same residue was found in three homozygous patients affected with DBP II (Ferdinandusse_2006) and this variant has been classified as DV in our lab, suggesting this residue is clinical and fuctional important. These data indicate that the variant may be associated with disease. At least one publication reports the hydratase activity was abolished by this variant (Tsuchida_2012). One ClinVar submitter (evaluation after 2014) cites the variant as uncertain significance. Based on the evidence outlined above, the variant was classified as likely pathogenic.

Victorian Clinical Genetics Services, Murdoch Childrens Research Institute
Classification: Pathogenic for Bifunctional peroxisomal enzyme deficiency. Last evaluated: 2022-02-02. Review status: criteria provided, single submitter. Criteria: ACMG Guidelines, 2015. Collection method: clinical testing. Allele origin: germline. Inheritance: Autosomal recessive inheritance. Affected: yes.
Comment: Based on the classification scheme VCGS_Germline_v1.3.4, this variant is classified as Pathogenic. Following criteria are met: 0102 - Loss of function is a known mechanism of disease in this gene and is associated with D-bifunctional protein deficiency (MIM#261515) and Perrault syndrome 1 (MIM#233400). (I) 0106 - This gene is associated with autosomal recessive disease. (I) 0200 - Variant is predicted to result in a missense amino acid change from arginine to histidine. (I) 0251 - This variant is heterozygous. (I) 0301 - Variant is absent from gnomAD (both v2 and v3). (SP) 0309 - An alternative amino acid change at the same position has been observed in gnomAD (v2) (4 heterozygotes, 0 homozygotes). (I) 0501 - Missense variant consistently predicted to be damaging by multiple in silico tools or highly conserved with a major amino acid change. (SP) 0600 - Variant is located in the annotated MaoC-like domain (DECIPHER). (I) 0703 - Another missense variant comparable to the one identified in this case has moderate previous evidence for pathogenicity. The p.(Arg506Cys) variant has been reported in three individuals with DBP deficiency (PMID: 16385454), and as likely pathogenic/pathogenic in ClinVar. (SP) 0803 - This variant has limited previous evidence of pathogenicity in an unrelated individual. It has been reported as homozygous in an individual with D-bifunctional protein deficiency (PMID: 16385454). The variant has also been reported as a VUS in ClinVar however no further evidence was provided. (SP) 0905 - No published segregation evidence has been identified for this variant. (I) 1006 - Clinically accredited laboratory assay shows abnormal function of product not specific to the gene. (SP) 1101 - Very strong and specific phenotype match for this individual. (SP) 1201 - Heterozygous variant detected in trans with a second pathogenic heterozygous variant (NM_000414.3:c.31dupG, p.(Val11Glyfs*30)) in a recessive disease. (I) Legend: (SP) - Supporting pathogenic, (I) - Information, (SB) - Supporting benign

Juno Genomics, Hangzhou Juno Genomics, Inc
Classification: Likely pathogenic for Bifunctional peroxisomal enzyme deficiency; Perrault syndrome 1. Review status: criteria provided, single submitter. Criteria: ACMG Guidelines, 2015. Collection method: clinical testing. Allele origin: germline.
Comment: Absent from controls (or at extremely low frequency if recessive) in Genome Aggregation Database.;Novel missense change at an amino acid residue where a different missense change determined to be pathogenic has been seen before.;Well-established in vitro or in vivo functional studies supportive of a damaging effect on the gene or gene product.;For recessive disorders, detected in trans with a pathogenic variant.;Patient's phenotype or family history is highly specific for a disease with a single genetic etiology.

Counsyl
Classification: Uncertain significance for Bifunctional peroxisomal enzyme deficiency. Last evaluated: 2017-11-13. Review status: no assertion criteria provided. Collection method: clinical testing. Allele origin: unknown. Not counted in ClinVar's aggregate classification.

Literature cited by the submitters: PubMed 22864515 (cited by 3 submitters); PubMed 16385454 (cited by 4 submitters); PubMed 25967389 (cited by Labcorp Genetics (formerly Invitae), Labcorp); PubMed 28649525 (cited by Women's Health and Genetics/Laboratory Corporation of America, LabCorp).

NM_000414.4(HSD17B4):c.1517G>A (p.Arg506His)

Gene: HSD17B4 (hydroxysteroid 17-beta dehydrogenase 4; plus strand). Cytogenetic location: 5q23.1.
Variant type: single nucleotide variant.
Coding change: c.1517G>A on transcript NM_000414.4 (MANE Select); coding-DNA position 1517, G replaced by A.
Protein change: p.Arg506His; replaces arginine 506 with histidine.
Molecular consequence: missense variant.
Genome position (GRCh38, 1-based): chr5:119,525,229, G>A. VCF-style: chr5-119525229-G-A. GRCh37 (hg19) VCF-style: chr5-118860924-G-A.
Other names: c.1592G>A, p.Arg531His (NM_001199291.3); c.1463G>A, p.Arg488His (NM_001199292.2); c.1445G>A, p.Arg482His (NM_001292027.2); c.1097G>A, p.Arg366His (NM_001292028.2); short protein forms R506H, R482H, R531H, R488H, R366H.
Identifiers: ClinVar variation 554817 (VCV000554817.12), dbSNP rs1554068136, ClinGen allele CA360869059.